The following is an entry in ClinVar:

ClinVar aggregate classification (germline): Uncertain significance (1 of 4 stars; one submission).

gnomAD v4.1: 1 of 1,613,978 alleles (0.000062%); highest among the groups gnomAD compares: Non-Finnish European, 0.000085%; no homozygotes.

Submission:

GeneDx
Classification: Uncertain significance. Last evaluated: 2025-07-11. Review status: criteria provided, single submitter. Criteria: GeneDx Variant Classification Process June 2021. Collection method: clinical testing. Allele origin: germline. Affected: yes.
Comment: Not observed at significant frequency in large population cohorts (gnomAD); In silico analysis suggests that this missense variant does not alter protein structure/function; Has not been previously published as pathogenic or benign to our knowledge

NM_014208.3(DSPP):c.1141C>T (p.Pro381Ser)

Genes: DMP1-AS1 (DMP1 and DSPP antisense RNA 1; minus strand), DSPP (dentin sialophosphoprotein; plus strand). Cytogenetic location: 4q22.1.
Variant type: single nucleotide variant.
Coding change: c.1141C>T on transcript NM_014208.3 (MANE Select); coding-DNA position 1141, C replaced by T.
Protein change: p.Pro381Ser; replaces proline 381 with serine.
Molecular consequence: missense variant.
Genome position (GRCh38, 1-based): chr4:87,613,803, C>T. VCF-style: chr4-87613803-C-T. GRCh37 (hg19) VCF-style: chr4-88534955-C-T.
Other names: short protein forms P381S.
Identifiers: ClinVar variation 4686212 (VCV004686212.1).